The following is an entry in ClinVar:

ClinVar aggregate classification (germline): Uncertain significance (1 of 4 stars; one submission).

Submission:

GeneDx
Classification: Uncertain significance. Last evaluated: 2023-05-31. Review status: criteria provided, single submitter. Criteria: GeneDx Variant Classification Process June 2021. Collection method: clinical testing. Allele origin: germline. Affected: yes.
Comment: Not observed at significant frequency in large population cohorts (gnomAD); In silico analysis supports that this missense variant has a deleterious effect on protein structure/function; Has not been previously published as pathogenic or benign to our knowledge

NM_004370.6(COL12A1):c.824G>T (p.Gly275Val)

Gene: COL12A1 (collagen type XII alpha 1 chain; minus strand). Cytogenetic location: 6q13.
Variant type: single nucleotide variant.
Coding change: c.824G>T on transcript NM_004370.6 (MANE Select); coding-DNA position 824, G replaced by T.
Protein change: p.Gly275Val; replaces glycine 275 with valine.
Molecular consequence: missense variant. On other transcripts: intron variant (2).
Genome position (GRCh38, 1-based): chr6:75,188,535, C>A on the plus strand (G>T on the coding strand, the complement: COL12A1 is on the minus strand). VCF-style: chr6-75188535-C-A. GRCh37 (hg19) VCF-style: chr6-75898251-C-A.
Other names: c.824G>T, p.Gly275Val (NM_001424113.1, NM_001424114.1, NM_001424115.1); c.73+14185G>T (NM_001424116.1, NM_080645.3); short protein forms G275V.
Identifiers: ClinVar variation 3361942 (VCV003361942.1).
Genomic context (GRCh38, chr6:75,188,535, plus strand): 5'-TGGTTCAGTGAAGGTGTGGAGGCAATTTGTTTGAGTTCTTTTGCATCTGCAGCTTTAATG[C>A]CTTCAAAACAAAAGGATAAGGACATATTGAAATGGGAAATGTGCCAACTGACTTGGAGAA-3'
Protein context (NP_004361.3, residues 265-285): RNVGVEVFSL[Gly275Val]IKAADAKELK